The following is an entry in ClinVar:

ClinVar aggregate classification (germline): Uncertain significance (1 of 4 stars; one submission).

gnomAD v4.1: 23 of 1,587,788 alleles (0.0014%); highest among the groups gnomAD compares: African/African-American, 0.0095%; no homozygotes.

Submission:

Labcorp Genetics (formerly Invitae), Labcorp
Classification: Uncertain significance. Last evaluated: 2026-02-02. Review status: criteria provided, single submitter. Criteria: Invitae Variant Classification Sherloc (09022015). Collection method: clinical testing. Allele origin: germline.
Comment: This sequence change falls in intron 20 of the ERBIN gene. It does not directly change the encoded amino acid sequence of the ERBIN protein. It affects a nucleotide within the consensus splice site. This variant is present in population databases (rs574238423, gnomAD 0.0009%). This variant has not been reported in the literature in individuals affected with ERBIN-related conditions. Variants that disrupt the consensus splice site are a relatively common cause of aberrant splicing (PMID: 17576681, 9536098). Algorithms developed to predict the effect of sequence changes on RNA splicing suggest that this variant is not likely to affect RNA splicing. In summary, the available evidence is currently insufficient to determine the role of this variant in disease. Therefore, it has been classified as a Variant of Uncertain Significance.

Literature cited by the submitters: PubMed 17576681; PubMed 9536098.

NM_001253697.2(ERBIN):c.2087+3G>A

Gene: ERBIN (erbb2 interacting protein; plus strand). Cytogenetic location: 5q12.3.
Variant type: single nucleotide variant.
Coding change: c.2087+3G>A on transcript NM_001253697.2 (MANE Select); 3 bases into the intron after coding-DNA position 2087, G replaced by A.
Molecular consequence: intron variant.
Genome position (GRCh38, 1-based): chr5:66,050,969, G>A. VCF-style: chr5-66050969-G-A. GRCh37 (hg19) VCF-style: chr5-65346797-G-A.
Other names: c.2087+3G>A (NM_001253699.2, NM_018695.4, NM_001253698.2 and 1 more transcripts); c.2075+3G>A (NM_001253701.2).
Identifiers: ClinVar variation 4706989 (VCV004706989.1).